The following is an entry in ClinVar:

NM_013382.7(POMT2):c.631G>A (p.Val211Ile)

Gene: POMT2 (protein O-mannosyltransferase 2; minus strand). Cytogenetic location: 14q24.3.
Variant type: single nucleotide variant.
Coding change: c.631G>A on transcript NM_013382.7 (MANE Select); coding-DNA position 631, G replaced by A.
Protein change: p.Val211Ile; replaces valine 211 with isoleucine.
Molecular consequence: missense variant.
Genome position (GRCh38, 1-based): chr14:77,302,860, C>T on the plus strand (G>A on the coding strand, the complement: POMT2 is on the minus strand). VCF-style: chr14-77302860-C-T. GRCh37 (hg19) VCF-style: chr14-77769203-C-T.
Other names: short protein forms V211I.
Identifiers: ClinVar variation 314561 (VCV000314561.11), dbSNP rs373139592, ClinGen allele CA7286146.

ClinVar aggregate classification (germline): Uncertain significance. Review status: criteria provided, multiple submitters, no conflicts (2 of 4 stars). 4 submissions from 4 submitters: Uncertain significance (4). Last evaluated 2025-08-22.

Conditions:
Inborn genetic diseases. Identifiers: MedGen C0950123, MeSH D030342.
Autosomal recessive limb-girdle muscular dystrophy type 2N. Also called: MUSCULAR DYSTROPHY-DYSTROGLYCANOPATHY, LIMB-GIRDLE, POMT2-RELATED; Muscular dystrophy-dystroglycanopathy (limb-girdle), type C, 2. Identifiers: Orphanet 206559, MedGen C3150418, MONDO:0013162, OMIM 613158.
Muscular dystrophy-dystroglycanopathy (congenital with brain and eye anomalies), type A2. Also called: WALKER-WARBURG SYNDROME OR MUSCLE-EYE-BRAIN DISEASE, POMT2-RELATED; MUSCULAR DYSTROPHY-DYSTROGLYCANOPATHY (CONGENITAL WITH BRAIN AND EYE ANOMALIES), TYPE A, 2. Identifiers: Orphanet 588, Orphanet 899, MedGen C3150411, MONDO:0013154, OMIM 613150.
Muscular dystrophy-dystroglycanopathy (congenital with impaired intellectual development), type B, 2. Also called: Muscular dystrophy-dystroglycanopathy (congenital with intellectual disability), type B2; MUSCULAR DYSTROPHY, CONGENITAL, POMT2-RELATED. Identifiers: MedGen C3150416, MONDO:0013160, OMIM 613156.

Allele frequency attached by ClinVar (database versions not stated): TOPMed 0.00002; ESP Exome Variant Server 0.00008; gnomAD 0.00004 and 0.00003; gnomAD exomes 0.00008 and 0.00001; ExAC 0.00001.
gnomAD v4.1: 120 of 1,613,352 alleles (0.0074%); highest among the groups gnomAD compares: Non-Finnish European, 0.0097%; no homozygotes.

Submissions (4):

Labcorp Genetics (formerly Invitae), Labcorp
Classification: Uncertain significance for Muscular dystrophy-dystroglycanopathy (congenital with impaired intellectual development), type B, 2; Muscular dystrophy-dystroglycanopathy (congenital with brain and eye anomalies), type A2; Autosomal recessive limb-girdle muscular dystrophy type 2N. Last evaluated: 2025-08-22. Review status: criteria provided, single submitter. Criteria: Invitae Variant Classification Sherloc (09022015). Collection method: clinical testing. Allele origin: germline.
Comment: This sequence change replaces valine, which is neutral and non-polar, with isoleucine, which is neutral and non-polar, at codon 211 of the POMT2 protein (p.Val211Ile). This variant is present in population databases (rs373139592, gnomAD 0.004%). This variant has not been reported in the literature in individuals affected with POMT2-related conditions. ClinVar contains an entry for this variant (Variation ID: 314561). Invitae Evidence Modeling of protein sequence and biophysical properties (such as structural, functional, and spatial information, amino acid conservation, physicochemical variation, residue mobility, and thermodynamic stability) indicates that this missense variant is not expected to disrupt POMT2 protein function with a negative predictive value of 95%. In summary, the available evidence is currently insufficient to determine the role of this variant in disease. Therefore, it has been classified as a Variant of Uncertain Significance.

Ambry Genetics
Classification: Uncertain significance for Inborn genetic diseases. Last evaluated: 2025-04-25. Review status: criteria provided, single submitter. Criteria: Ambry Variant Classification Scheme 2023. Collection method: clinical testing. Allele origin: germline.

Revvity Omics, Revvity
Classification: Uncertain significance. Last evaluated: 2023-09-22. Review status: criteria provided, single submitter. Criteria: ACMG Guidelines, 2015. Collection method: clinical testing. Allele origin: germline.

Illumina Laboratory Services, Illumina
Classification: Uncertain significance for Autosomal recessive limb-girdle muscular dystrophy type 2N. Last evaluated: 2018-01-13. Review status: criteria provided, single submitter. Criteria: ICSL Variant Classification Criteria 13 December 2019. Collection method: clinical testing. Allele origin: germline.